The following is an entry in ClinVar:

NM_000533.5(PLP1):c.485T>C (p.Val162Ala)

Genes: PLP1 (proteolipid protein 1; plus strand), RAB9B (RAB9B, member RAS oncogene family; minus strand). Cytogenetic location: Xq22.2.
Variant type: single nucleotide variant.
Coding change: c.485T>C on transcript NM_000533.5 (MANE Select); coding-DNA position 485, T replaced by C.
Protein change: p.Val162Ala; replaces valine 162 with alanine.
Molecular consequence: missense variant.
Genome position (GRCh38, 1-based): chrX:103,787,829, T>C. VCF-style: chrX-103787829-T-C. GRCh37 (hg19) VCF-style: chrX-103042758-T-C.
Other names: c.485T>C, p.Val162Ala (NM_001128834.3); c.320T>C, p.Val107Ala (NM_001305004.1); c.380T>C, p.Val127Ala (NM_199478.3); short protein forms V162A, V107A, V127A.
Identifiers: ClinVar variation 533382 (VCV000533382.8), dbSNP rs1556268920, ClinGen allele CA414103648.

ClinVar aggregate classification (germline): Uncertain significance (1 of 4 stars; one submission).

Conditions:
Hereditary spastic paraplegia 2 (SPG2). Also called: SPASTIC PARAPLEGIA 2, X-LINKED; Spastic Paraplegia 2 (SPG2). Identifiers: Orphanet 99015, MedGen C0751604, MONDO:0010733, OMIM 312920.

Submission:

Labcorp Genetics (formerly Invitae), Labcorp
Classification: Uncertain significance for Hereditary spastic paraplegia 2. Last evaluated: 2017-12-11. Review status: criteria provided, single submitter. Criteria: Invitae Variant Classification Sherloc (09022015). Collection method: clinical testing. Allele origin: germline.
Comment: In summary, the available evidence is currently insufficient to determine the role of this variant in disease. Therefore, it has been classified as a Variant of Uncertain Significance. Algorithms developed to predict the effect of missense changes on protein structure and function do not agree on the potential impact of this missense change (SIFT: "Deleterious"; PolyPhen-2: "Benign"; Align-GVGD: "Class C25"). This variant has not been reported in the literature in individuals with PLP1-related disease. This variant is not present in population databases (ExAC no frequency). This sequence change replaces valine with alanine at codon 162 of the PLP1 protein (p.Val162Ala). The valine residue is moderately conserved and there is a small physicochemical difference between valine and alanine.